The following is an entry in ClinVar:

ClinVar aggregate classification (germline): Benign (1 of 4 stars; one submission).

Allele frequency attached by ClinVar (database versions not stated): TOPMed 0.06576; gnomAD 0.06797 and 0.07116; 1000 Genomes Project 30x 0.08214; 1000 Genomes Project 0.08287.
gnomAD v4.1: 10,852 of 152,298 alleles (7.1%); highest among the groups gnomAD compares: South Asian, 16%; 434 homozygotes.

Submission:

GeneDx
Classification: Benign. Last evaluated: 2018-06-19. Review status: criteria provided, single submitter. Criteria: GeneDx Variant Classification (06012015). Collection method: clinical testing. Allele origin: germline. Affected: yes.
Comment: This variant is considered likely benign or benign based on one or more of the following criteria: it is a conservative change, it occurs at a poorly conserved position in the protein, it is predicted to be benign by multiple in silico algorithms, and/or has population frequency not consistent with disease.

NM_014845.6(FIG4):c.2460-252A>G

Gene: FIG4 (FIG4 phosphoinositide 5-phosphatase; plus strand). Cytogenetic location: 6q21.
Variant type: single nucleotide variant.
Coding change: c.2460-252A>G on transcript NM_014845.6 (MANE Select); 252 bases into the intron before coding-DNA position 2460, A replaced by G.
Molecular consequence: intron variant.
Genome position (GRCh38, 1-based): chr6:109,796,513, A>G. VCF-style: chr6-109796513-A-G. GRCh37 (hg19) VCF-style: chr6-110117716-A-G.
Identifiers: ClinVar variation 674184 (VCV000674184.1), dbSNP rs72944977, ClinGen allele CA145142246.